The following is an entry in ClinVar:

NM_006904.7(PRKDC):c.3316A>G (p.Ile1106Val)

Gene: PRKDC (protein kinase, DNA-activated, catalytic subunit; minus strand). Cytogenetic location: 8q11.21.
Variant type: single nucleotide variant.
Coding change: c.3316A>G on transcript NM_006904.7 (MANE Select); coding-DNA position 3316, A replaced by G.
Protein change: p.Ile1106Val; replaces isoleucine 1106 with valine.
Molecular consequence: missense variant.
Genome position (GRCh38, 1-based): chr8:47,900,421, T>C on the plus strand (A>G on the coding strand, the complement: PRKDC is on the minus strand). VCF-style: chr8-47900421-T-C. GRCh37 (hg19) VCF-style: chr8-48812981-T-C.
Other names: c.3316A>G, p.Ile1106Val (NM_001081640.2); short protein forms I1106V.
Identifiers: ClinVar variation 1730133 (VCV001730133.2), dbSNP rs187301050, ClinGen allele CA176153576.
Genomic context (GRCh38, chr8:47,900,421, plus strand): 5'-AGCAAAACGTACCTAAGGACTTCTCATCTGCATGTGCTAAGGCCAGACTCTCCATGTATA[T>C]CACCAAGGCTTCAAACACAAACTGTTCCACCAGAGACTCTTCTTCCCTGTAAAATAAAGA-3'
Protein context (NP_008835.5, residues 1096-1116): VEQFVFEALV[Ile1106Val]YMESLALAHA

ClinVar aggregate classification (germline): Uncertain significance (1 of 4 stars; one submission).

Allele frequency attached by ClinVar (database versions not stated): gnomAD 0.00001; 1000 Genomes Project 30x 0.00016; 1000 Genomes Project 0.00020.
gnomAD v4.1: 1 of 1,611,956 alleles (0.000062%); highest among the groups gnomAD compares: African/African-American, 0.0013%; no homozygotes.

Submission:

Ambry Genetics
Classification: Uncertain significance. Last evaluated: 2022-04-24. Review status: criteria provided, single submitter. Criteria: Ambry Variant Classification Scheme 2023. Collection method: clinical testing. Allele origin: germline.
Comment: The p.I1106V variant (also known as c.3316A>G), located in coding exon 28 of the PRKDC gene, results from an A to G substitution at nucleotide position 3316. The isoleucine at codon 1106 is replaced by valine, an amino acid with highly similar properties. This amino acid position is conserved. In addition, this alteration is predicted to be tolerated by in silico analysis. Since supporting evidence is limited at this time, the clinical significance of this alteration remains unclear.